The following is an entry in ClinVar:

NM_024120.5(NDUFAF5):c.583dup (p.Tyr195fs)

Gene: NDUFAF5 (NADH:ubiquinone oxidoreductase complex assembly factor 5; plus strand). Cytogenetic location: 20p12.1.
Variant type: Duplication.
Coding change: c.583dup on transcript NM_024120.5 (MANE Select); coding-DNA position 583, one base duplicated (T; older notation c.583dupT).
Protein change: p.Tyr195fs; shifts the reading frame from tyrosine 195.
Molecular consequence: frameshift variant. On other transcripts: non-coding transcript variant (7).
Genome position (GRCh38, 1-based): chr20:13,801,549, T duplicated. VCF-style (leftmost placement, unchanged base first): chr20-13801548-C-CT. GRCh37 (hg19) VCF-style: chr20-13782194-C-CT.
Other names: c.499dup, p.Tyr167fs (NM_001039375.3); c.112dup, p.Tyr38fs (NM_001352403.2); c.22dup, p.Tyr8fs (NM_001352406.2, NM_001352407.2); c.583dup, p.Tyr195fs (NM_001352408.2); short protein forms Y167fs, Y38fs, Y195fs, Y8fs.
Identifiers: ClinVar variation 421779 (VCV000421779.9), dbSNP rs1555834773, ClinGen allele CA16620917.

ClinVar aggregate classification (germline): Pathogenic/Likely pathogenic. Review status: criteria provided, multiple submitters, no conflicts (2 of 4 stars). 4 submissions from 4 submitters: Pathogenic (1); Likely pathogenic (3). Last evaluated 2025-03-29.

Conditions:
Mitochondrial complex I deficiency, nuclear type 16. Also called: Mitochondrial complex 1 deficiency, nuclear type 16. Identifiers: MedGen C4748785, MONDO:0032621, OMIM 618238.

Submissions (4):

Labcorp Genetics (formerly Invitae), Labcorp
Classification: Pathogenic. Last evaluated: 2025-03-29. Review status: criteria provided, single submitter. Criteria: Invitae Variant Classification Sherloc (09022015). Collection method: clinical testing. Allele origin: germline.
Comment: This sequence change creates a premature translational stop signal (p.Tyr195Leufs*2) in the NDUFAF5 gene. It is expected to result in an absent or disrupted protein product. Loss-of-function variants in NDUFAF5 are known to be pathogenic (PMID: 26275793, 30473481, 32918965). This variant is not present in population databases (gnomAD no frequency). This variant has not been reported in the literature in individuals affected with NDUFAF5-related conditions. ClinVar contains an entry for this variant (Variation ID: 421779). For these reasons, this variant has been classified as Pathogenic.

Dasa
Classification: Likely pathogenic. Last evaluated: 2024-12-10. Review status: criteria provided, single submitter. Criteria: DASA Assertion Criteria. Collection method: clinical testing. Allele origin: germline.
Comment: NM_024120.5(NDUFAF5):c.583dup (p.Tyr195Leufs*2) is a frameshift variant in NDUFAF5 predicted to alter the reading frame and introduce a premature termination codon and is predicted to result in an absent or altered protein product. Loss of function is an established disease mechanism for NDUFAF5-associated disorders. Also, this variant is absent from population databases. Based on the currently available evidence, this variant is classified as likely pathogenic.

Baylor Genetics
Classification: Likely pathogenic for Mitochondrial complex I deficiency, nuclear type 16. Last evaluated: 2023-09-14. Review status: criteria provided, single submitter. Criteria: ACMG Guidelines, 2015. Collection method: clinical testing. Allele origin: unknown.

GeneDx
Classification: Likely pathogenic. Last evaluated: 2016-08-03. Review status: criteria provided, single submitter. Criteria: GeneDx Variant Classification (06012015). Collection method: clinical testing. Allele origin: germline. Affected: yes.
Comment: The c.583dupT variant in the NDUFAF5 gene has not been reported previously as a pathogenic variant nor as a benign variant, to our knowledge. The c.583dupT variant causes a frameshift starting with codon Tyrosine 195, changes this amino acid to a Leucine residue, and creates a premature Stop codon at position 2 of the new reading frame, denoted p.Tyr195LeufsX2. This variant is predicted to cause loss of normal protein function either through protein truncation or nonsense-mediated mRNA decay. The c.583dupT variant was not observed in approximately 6,500 individuals of European and African American ancestry in the NHLBI Exome Sequencing Project, indicating it is not a common benign variant in these populations. The c.583dupT variant is a strong candidate for a pathogenic variant, however the possibility it may be a rare benign variant cannot be excluded.

Literature cited by the submitters: PubMed 26275793 (cited by Labcorp Genetics (formerly Invitae), Labcorp); PubMed 30473481 (cited by Labcorp Genetics (formerly Invitae), Labcorp); PubMed 32918965 (cited by Labcorp Genetics (formerly Invitae), Labcorp).